The following is an entry in ClinVar:

NM_021133.4(RNASEL):c.2039+1del

Gene: RNASEL (ribonuclease L; minus strand). Cytogenetic location: 1q25.3.
Variant type: Deletion.
Coding change: c.2039+1del on transcript NM_021133.4 (MANE Select); the canonical splice donor site of the intron after coding-DNA position 2039, one base deleted (G; older notation c.2039+1delG).
Molecular consequence: splice donor variant.
Genome position (GRCh38, 1-based): chr1:182,576,255, C deleted on the plus strand (G on the coding strand, the reverse complement: RNASEL is on the minus strand). VCF-style (leftmost placement, unchanged base first): chr1-182576254-AC-A. GRCh37 (hg19) VCF-style: chr1-182545389-AC-A.
Other names: NC_000001.10:g.182545390del.
Identifiers: ClinVar variation 3024086 (VCV003024086.2), dbSNP rs760148408, ClinGen allele CA1277889.
Genomic context (GRCh38, chr1:182,576,254, plus strand): 5'-ATTGGATTTTTTAAATTGTTCTCATTTCACATATAATTTGTAGGAATGAAAACAATACTT[AC>A]TTTTTATGCTTTTCTTCATCAATGTGTTCTCCCAAATTCCGGATGAACTTTAGCAGATCA-3'

ClinVar aggregate classification (germline): Uncertain significance (1 of 4 stars; one submission).

Conditions:
Prostate cancer, hereditary, 1 (HPC1). Identifiers: Orphanet 1331, MedGen C4722327, MONDO:0011098, OMIM 601518.

Allele frequency attached by ClinVar (database versions not stated): ExAC 0.00010; TOPMed 0.00011; ESP Exome Variant Server 0.00008; gnomAD exomes 0.00008; gnomAD 0.00009.

Submissions (2):

Neuberg Centre For Genomic Medicine, NCGM
Classification: Uncertain significance for Prostate cancer, hereditary, 1. Review status: criteria provided, single submitter. Criteria: ACMG Guidelines, 2015. Collection method: clinical testing. Allele origin: germline. Inheritance: Autosomal dominant inheritance. Affected: yes. Observed: 1 heterozygote.
Comment: The splice donor variant c.2039+1del) in RNASEL gene has not been reported previously as a pathogenic variant nor as a benign variant, to our knowledge. The variant has 0.01% allele frequency in gnomAD Exomes and is novel (not in any individuals) in 1000 Genomes. LOF in this gene have not been reported previously. For these reasons, this variant has been classified as Uncertain Significance.

Dr. Peter K. Rogan Lab, Western University
No classification provided (evidence only). Condition: Chronic lymphocytic leukemia/small lymphocytic lymphoma. Review status: no classification provided. Collection method: in vitro. Allele origin: not applicable. Functional consequence: skipped exon, retained intron. Not counted in ClinVar's aggregate classification.